The following is an entry in ClinVar:

ClinVar aggregate classification (germline): Uncertain significance. Review status: criteria provided, multiple submitters, no conflicts (2 of 4 stars). 2 submissions from 2 submitters: Uncertain significance (2). Last evaluated 2024-07-29.

Conditions:
Familial thoracic aortic aneurysm and aortic dissection (TAAD). Also called: Thoracic aortic aneurysms and dissections. Identifiers: Orphanet 91387, MedGen C4707243, MONDO:0019625.
Loeys-Dietz syndrome (LDS). Identifiers: Orphanet 60030, MedGen C2697932, MONDO:0018954.

gnomAD v4.1: 3 of 1,614,156 alleles (0.00019%); highest among the groups gnomAD compares: South Asian, 0.0011%; no homozygotes.

Submissions (2):

All of Us Research Program, National Institutes of Health
Classification: Uncertain significance for Loeys-Dietz syndrome. Last evaluated: 2024-07-29. Review status: criteria provided, single submitter. Criteria: ACMG Guidelines, 2015. Collection method: clinical testing. Allele origin: germline. Inheritance: Autosomal dominant inheritance. Observed: 1 variant allele, 1 heterozygote.
Comment: This missense variant replaces tyrosine with cysteine at codon 146 of the TGFBR1 protein. Computational prediction tools indicate that this variant has a neutral impact on protein structure and function. To our knowledge, functional studies have not been reported for this variant. This variant has been reported in an individual affected with bicuspid aortic valve (PMID: 28387797, 30059548). This variant has not been identified in the general population by the Genome Aggregation Database (gnomAD). The available evidence is insufficient to determine the role of this variant in disease conclusively. Therefore, this variant is classified as a Variant of Uncertain Significance.

This study involves interpretation of variants in research participants for the purpose of population health screening. Participant phenotype was not available at the time of variant classification. Additional details can be found in publication PMID: 35346344, PMCID: PMC8962531

Color Diagnostics, LLC DBA Color Health
Classification: Uncertain significance for Familial thoracic aortic aneurysm and aortic dissection. Last evaluated: 2024-07-19. Review status: criteria provided, single submitter. Criteria: ACMG Guidelines, 2015. Collection method: clinical testing. Allele origin: germline.
Comment: This missense variant replaces tyrosine with cysteine at codon 146 of the TGFBR1 protein. Computational prediction tools indicate that this variant has a neutral impact on protein structure and function. To our knowledge, functional studies have not been reported for this variant. This variant has been reported in an individual affected with bicuspid aortic valve (PMID: 28387797, 30059548). This variant has not been identified in the general population by the Genome Aggregation Database (gnomAD). The available evidence is insufficient to determine the role of this variant in disease conclusively. Therefore, this variant is classified as a Variant of Uncertain Significance.

Literature cited by the submitters: PubMed 28387797 (cited by All of Us Research Program, National Institutes of Health and Color Diagnostics, LLC DBA Color Health); PubMed 30059548 (cited by All of Us Research Program, National Institutes of Health and Color Diagnostics, LLC DBA Color Health).

NM_004612.4(TGFBR1):c.437A>G (p.Tyr146Cys)

Gene: TGFBR1 (transforming growth factor beta receptor 1; plus strand). Cytogenetic location: 9q22.33.
Variant type: single nucleotide variant.
Coding change: c.437A>G on transcript NM_004612.4 (MANE Select); coding-DNA position 437, A replaced by G.
Protein change: p.Tyr146Cys; replaces tyrosine 146 with cysteine.
Molecular consequence: missense variant. On other transcripts: non-coding transcript variant (4), intron variant (3).
Genome position (GRCh38, 1-based): chr9:99,132,602, A>G. VCF-style: chr9-99132602-A-G. GRCh37 (hg19) VCF-style: chr9-101894884-A-G.
Other names: c.230A>G, p.Tyr77Cys (NM_001407433.1, NM_001407434.1, NM_001407423.1 and 8 more transcripts); c.437A>G, p.Tyr146Cys (NM_001407435.1, NM_001407417.1); c.191A>G, p.Tyr64Cys (NM_001407436.1); c.343+3502A>G (NM_001130916.3); c.98-5257A>G (NM_001407438.1); c.98-9934A>G (NM_001407437.1); c.449A>G, p.Tyr150Cys (NM_001306210.2, NM_001407416.1); c.242A>G, p.Tyr81Cys (NM_001407418.1, NM_001407419.1, NM_001407420.1 and 1 more transcripts); short protein forms Y146C, Y150C, Y64C, Y77C, Y81C.
Identifiers: ClinVar variation 3386041 (VCV003386041.2).